The following is an entry in ClinVar:

ClinVar aggregate classification (germline): Pathogenic/Likely pathogenic. Review status: criteria provided, multiple submitters, no conflicts (2 of 4 stars). 4 submissions from 4 submitters: Pathogenic (1); Likely pathogenic (2). 1 of the submissions does not count toward it. Last evaluated 2025-04-03.

Conditions:
X-linked myopathy with postural muscle atrophy. Also called: FHL1-Related Emery-Dreifuss Muscular Dystrophy, X-Linked. Identifiers: Orphanet 178461, MedGen C2678055, MONDO:0010401, OMIM 300696.
Myopathy, reducing body, X-linked, childhood-onset (RBMX1B). Also called: REDUCING BODY MYOPATHY, X-LINKED 1B, WITH LATE CHILDHOOD OR ADULT ONSET. Identifiers: Orphanet 97239, MedGen C4225159, MONDO:0010415, OMIM 300718.
Abnormality of the musculature. Identifiers: MedGen C4021745, HP:0003011.

Submissions (4):

3billion
Classification: Likely pathogenic for Myopathy, reducing body, X-linked, childhood-onset. Last evaluated: 2025-04-03. Review status: criteria provided, single submitter. Criteria: ACMG Guidelines, 2015. Collection method: clinical testing. Allele origin: germline. Affected: yes.

Labcorp Genetics (formerly Invitae), Labcorp
Classification: Pathogenic for X-linked myopathy with postural muscle atrophy. Last evaluated: 2023-04-26. Review status: criteria provided, single submitter. Criteria: Invitae Variant Classification Sherloc (09022015). Collection method: clinical testing. Allele origin: germline.
Comment: For these reasons, this variant has been classified as Pathogenic. This variant disrupts the p.Cys153 amino acid residue in FHL1. Other variant(s) that disrupt this residue have been determined to be pathogenic (PMID: 23965743). This suggests that this residue is clinically significant, and that variants that disrupt this residue are likely to be disease-causing. An algorithm developed to predict the effect of missense changes on protein structure and function (PolyPhen-2) suggests that this variant is likely to be disruptive. ClinVar contains an entry for this variant (Variation ID: 11552). This missense change has been observed in individual(s) with clinical features of X-linked dominant FHL1-related disorders (PMID: 18274675; Invitae). In at least one individual the variant was observed to be de novo. It has also been observed to segregate with disease in related individuals. This variant is not present in population databases (gnomAD no frequency). This sequence change replaces cysteine, which is neutral and slightly polar, with arginine, which is basic and polar, at codon 153 of the FHL1 protein (p.Cys153Arg).

Kariminejad - Najmabadi Pathology & Genetics Center
Classification: Likely pathogenic for Abnormality of the musculature. Last evaluated: 2021-07-10. Review status: criteria provided, single submitter. Criteria: ACMG Guidelines, 2015. Collection method: clinical testing. Allele origin: germline. Affected: yes.

OMIM
Classification: Pathogenic for REDUCING BODY MYOPATHY, X-LINKED 1B, WITH LATE CHILDHOOD ONSET. Last evaluated: 2008-03-01. Review status: no assertion criteria provided. Collection method: literature only. Allele origin: germline. Not counted in ClinVar's aggregate classification.

Literature cited by the submitters: PubMed 18274675 (cited by 3 submitters); PubMed 23965743 (cited by Labcorp Genetics (formerly Invitae), Labcorp).

NM_001159699.2(FHL1):c.505T>C (p.Cys169Arg)

Gene: FHL1 (four and a half LIM domains 1; plus strand). Cytogenetic location: Xq26.3.
Variant type: single nucleotide variant.
Coding change: c.505T>C on transcript NM_001159699.2 (MANE Select); coding-DNA position 505, T replaced by C.
Protein change: p.Cys169Arg; replaces cysteine 169 with arginine.
Molecular consequence: missense variant. On other transcripts: non-coding transcript variant (1).
Genome position (GRCh38, 1-based): chrX:136,207,917, T>C. VCF-style: chrX-136207917-T-C. GRCh37 (hg19) VCF-style: chrX-135290076-T-C.
Other names: c.457T>C, p.Cys153Arg (NM_001159702.3, NM_001159700.2, NM_001159703.2 and 9 more transcripts); c.544T>C, p.Cys182Arg (NM_001159701.2); c.505T>C, p.Cys169Arg (NM_001330659.2); short protein forms C153R, C169R, C182R.
Identifiers: ClinVar variation 11552 (VCV000011552.27), dbSNP rs122458144, ClinGen allele CA121548.